The following is an entry in ClinVar:

NM_001277115.2(DNAH11):c.11882A>G (p.Asn3961Ser)

Gene: DNAH11 (dynein axonemal heavy chain 11; plus strand). Cytogenetic location: 7p15.3.
Variant type: single nucleotide variant.
Coding change: c.11882A>G on transcript NM_001277115.2 (MANE Select); coding-DNA position 11882, A replaced by G.
Protein change: p.Asn3961Ser; replaces asparagine 3961 with serine.
Molecular consequence: missense variant.
Genome position (GRCh38, 1-based): chr7:21,868,906, A>G. VCF-style: chr7-21868906-A-G. GRCh37 (hg19) VCF-style: chr7-21908524-A-G.
Other names: short protein forms N3961S.
Identifiers: ClinVar variation 525399 (VCV000525399.11), dbSNP rs186794216, ClinGen allele CA4182908.

ClinVar aggregate classification (germline): Conflicting classifications of pathogenicity. Review status: criteria provided, conflicting classifications (1 of 4 stars). 2 submissions from 2 submitters: Uncertain significance (1); Benign (1). Last evaluated 2025-05-10.

Conditions:
Primary ciliary dyskinesia. Also called: Ciliary dyskinesia. Identifiers: Orphanet 244, MedGen C0008780, MONDO:0016575, HP:0012265.

Allele frequency attached by ClinVar (database versions not stated): gnomAD 0.00001; TOPMed 0.00002; ESP Exome Variant Server 0.00008; 1000 Genomes Project 30x 0.00016; 1000 Genomes Project 0.00020.
gnomAD v4.1: 19 of 1,614,016 alleles (0.0012%); highest among the groups gnomAD compares: East Asian, 0.0045%; no homozygotes.

Submissions (2):

Ambry Genetics
Classification: Uncertain significance for Primary ciliary dyskinesia. Last evaluated: 2025-05-10. Review status: criteria provided, single submitter. Criteria: Ambry Variant Classification Scheme 2023. Collection method: clinical testing. Allele origin: germline.
Comment: The p.N3961S variant (also known as c.11882A>G), located in coding exon 73 of the DNAH11 gene, results from an A to G substitution at nucleotide position 11882. The asparagine at codon 3961 is replaced by serine, an amino acid with highly similar properties. This amino acid position is conserved. In addition, this alteration is predicted to be tolerated by in silico analysis. Based on the available evidence, the clinical significance of this variant remains unclear.

Labcorp Genetics (formerly Invitae), Labcorp
Classification: Benign for Primary ciliary dyskinesia. Last evaluated: 2024-02-20. Review status: criteria provided, single submitter. Criteria: Invitae Variant Classification Sherloc (09022015). Collection method: clinical testing. Allele origin: germline.